The following is an entry in ClinVar:

NM_002661.5(PLCG2):c.3054T>G (p.Asp1018Glu)

Gene: PLCG2 (phospholipase C gamma 2; plus strand). Cytogenetic location: 16q23.3.
Variant type: single nucleotide variant.
Coding change: c.3054T>G on transcript NM_002661.5 (MANE Select); coding-DNA position 3054, T replaced by G.
Protein change: p.Asp1018Glu; replaces aspartic acid 1018 with glutamic acid.
Molecular consequence: missense variant.
Genome position (GRCh38, 1-based): chr16:81,937,759, T>G. VCF-style: chr16-81937759-T-G. GRCh37 (hg19) VCF-style: chr16-81971364-T-G.
Other names: c.3054T>G, p.Asp1018Glu (NM_001425749.1, NM_001425750.1, NM_001425751.1); short protein forms D1018E.
Identifiers: ClinVar variation 3652277 (VCV003652277.2).
Genomic context (GRCh38, chr16:81,937,759, plus strand): 5'-GCCTAGGGGGCCAGCGTGCTCATGCCTGACTTACAGCAGGCGTTCACTTTCCTTCCCAGA[T>G]AAGTACATGCAGATGAATCACGCATTGTTTTCTCTCAATGGGCGCACGGGCTACGTTCTG-3'
Protein context (NP_002652.2, residues 1008-1028): QMVALNFQTA[Asp1018Glu]KYMQMNHALF

ClinVar aggregate classification (germline): Uncertain significance (1 of 4 stars; one submission).

Conditions:
Familial cold autoinflammatory syndrome 3 (FCAS3). Also called: FAMILIAL ATYPICAL COLD URTICARIA; ANTIBODY DEFICIENCY AND IMMUNE DYSREGULATION, PLCG2-ASSOCIATED. Identifiers: Orphanet 300359, MedGen C3280914, MONDO:0013766, OMIM 614468.

Submission:

Labcorp Genetics (formerly Invitae), Labcorp
Classification: Uncertain significance for Familial cold autoinflammatory syndrome 3. Last evaluated: 2024-05-06. Review status: criteria provided, single submitter. Criteria: Invitae Variant Classification Sherloc (09022015). Collection method: clinical testing. Allele origin: germline.
Comment: This sequence change replaces aspartic acid, which is acidic and polar, with glutamic acid, which is acidic and polar, at codon 1018 of the PLCG2 protein (p.Asp1018Glu). This variant is not present in population databases (gnomAD no frequency). This variant has not been reported in the literature in individuals affected with PLCG2-related conditions. An algorithm developed to predict the effect of missense changes on protein structure and function (PolyPhen-2) suggests that this variant is likely to be disruptive. In summary, the available evidence is currently insufficient to determine the role of this variant in disease. Therefore, it has been classified as a Variant of Uncertain Significance.